The following is an entry in ClinVar:

ClinVar aggregate classification (germline): Uncertain significance (1 of 4 stars; one submission).

Submission:

GeneDx
Classification: Uncertain significance. Last evaluated: 2023-01-19. Review status: criteria provided, single submitter. Criteria: GeneDx Variant Classification Process June 2021. Collection method: clinical testing. Allele origin: germline. Affected: yes.
Comment: Not observed at significant frequency in large population cohorts (gnomAD); In silico analysis supports that this missense variant has a deleterious effect on protein structure/function; Has not been previously published as pathogenic or benign to our knowledge

NM_000834.5(GRIN2B):c.1175C>T (p.Pro392Leu)

Gene: GRIN2B (glutamate ionotropic receptor NMDA type subunit 2B; minus strand). Cytogenetic location: 12p13.1.
Variant type: single nucleotide variant.
Coding change: c.1175C>T on transcript NM_000834.5 (MANE Select); coding-DNA position 1175, C replaced by T.
Protein change: p.Pro392Leu; replaces proline 392 with leucine.
Molecular consequence: missense variant.
Genome position (GRCh38, 1-based): chr12:13,616,608, G>A on the plus strand (C>T on the coding strand, the complement: GRIN2B is on the minus strand). VCF-style: chr12-13616608-G-A. GRCh37 (hg19) VCF-style: chr12-13769542-G-A.
Other names: c.1175C>T, p.Pro392Leu (NM_001413992.1); short protein forms P392L.
Identifiers: ClinVar variation 2573971 (VCV002573971.1), dbSNP rs2497602735, ClinGen allele CA384052786.